The following is an entry in ClinVar:

ClinVar aggregate classification (germline): Likely benign. Review status: criteria provided, single submitter (1 of 4 stars). 2 submissions from 2 submitters: Likely benign (1). 1 of the submissions does not count toward it. Last evaluated 2020-07-30.

Conditions:
CACNA1H-related disorder.
Inborn genetic diseases. Identifiers: MedGen C0950123, MeSH D030342.

Allele frequency attached by ClinVar (database versions not stated): gnomAD exomes below 0.00001.
gnomAD v4.1: 4 of 1,552,506 alleles (0.00026%); highest among the groups gnomAD compares: Admixed American, 0.0039%; no homozygotes.

Submissions (2):

Ambry Genetics
Classification: Likely benign for Inborn genetic diseases. Last evaluated: 2020-07-30. Review status: criteria provided, single submitter. Criteria: Ambry Variant Classification Scheme 2023. Collection method: clinical testing. Allele origin: germline.

PreventionGenetics, part of Exact Sciences
Classification: Likely benign for CACNA1H-related condition. Last evaluated: 2019-08-15. Review status: no assertion criteria provided. Collection method: clinical testing. Allele origin: germline. Not counted in ClinVar's aggregate classification.
Comment: This variant is classified as likely benign based on ACMG/AMP sequence variant interpretation guidelines (Richards et al. 2015 PMID: 25741868, with internal and published modifications).

NM_021098.3(CACNA1H):c.1728C>T (p.Tyr576=)

Gene: CACNA1H (calcium voltage-gated channel subunit alpha1 H; plus strand). Cytogenetic location: 16p13.3.
Variant type: single nucleotide variant.
Coding change: c.1728C>T on transcript NM_021098.3 (MANE Select); coding-DNA position 1728, C replaced by T.
Protein change: p.Tyr576=; no amino-acid change (tyrosine 576 retained).
Molecular consequence: synonymous variant.
Genome position (GRCh38, 1-based): chr16:1,202,178, C>T. VCF-style: chr16-1202178-C-T. GRCh37 (hg19) VCF-style: chr16-1252178-C-T.
Other names: c.1728C>T, p.Tyr576= (NM_001005407.2).
Identifiers: ClinVar variation 1778901 (VCV001778901.4), dbSNP rs1309052050, ClinGen allele CA493019898.